The following is an entry in ClinVar:

NM_001005242.3(PKP2):c.1795A>G (p.Lys599Glu)

Gene: PKP2 (plakophilin 2; minus strand). Cytogenetic location: 12p11.21.
Variant type: single nucleotide variant.
Coding change: c.1795A>G on transcript NM_001005242.3 (MANE Select); coding-DNA position 1795, A replaced by G.
Protein change: p.Lys599Glu; replaces lysine 599 with glutamic acid.
Molecular consequence: missense variant. On other transcripts: intron variant (1).
Genome position (GRCh38, 1-based): chr12:32,822,511, T>C on the plus strand (A>G on the coding strand, the complement: PKP2 is on the minus strand). VCF-style: chr12-32822511-T-C. GRCh37 (hg19) VCF-style: chr12-32975445-T-C.
Other names: c.1795A>G, p.Lys599Glu (NM_001407155.1, NM_001407161.1); c.1927A>G, p.Lys643Glu (NM_001407157.1, NM_004572.4); c.1468A>G, p.Lys490Glu (NM_001407158.1, NM_001407159.1, NM_001407160.1 and 1 more transcripts); c.1675-982A>G (NM_001407156.1); short protein forms K490E, K599E, K643E.
Identifiers: ClinVar variation 2564436 (VCV002564436.2), dbSNP rs2541231582, ClinGen allele CA384362813.

ClinVar aggregate classification (germline): Uncertain significance (1 of 4 stars; one submission).

Conditions:
Cardiovascular phenotype. Identifiers: MedGen CN230736.

Allele frequency attached by ClinVar (database versions not stated): gnomAD exomes below 0.00001.
gnomAD v4.1: 2 of 1,614,164 alleles (0.00012%); highest among the groups gnomAD compares: South Asian, 0.0011%; no homozygotes.

Submission:

Ambry Genetics
Classification: Uncertain significance for Cardiovascular phenotype. Last evaluated: 2023-03-31. Review status: criteria provided, single submitter. Criteria: Ambry Variant Classification Scheme 2023. Collection method: clinical testing. Allele origin: germline.
Comment: The p.K643E variant (also known as c.1927A>G), located in coding exon 9 of the PKP2 gene, results from an A to G substitution at nucleotide position 1927. The lysine at codon 643 is replaced by glutamic acid, an amino acid with similar properties. This amino acid position is conserved. In addition, this alteration is predicted to be tolerated by in silico analysis. Since supporting evidence is limited at this time, the clinical significance of this alteration remains unclear.